The following is an entry in ClinVar:

NM_201384.3(PLEC):c.13088G>A (p.Arg4363His)

Gene: PLEC (plectin; minus strand). Cytogenetic location: 8q24.3.
Variant type: single nucleotide variant.
Coding change: c.13088G>A on transcript NM_201384.3 (MANE Select); coding-DNA position 13088, G replaced by A.
Protein change: p.Arg4363His; replaces arginine 4363 with histidine.
Molecular consequence: missense variant.
Genome position (GRCh38, 1-based): chr8:143,916,733, C>T on the plus strand (G>A on the coding strand, the complement: PLEC is on the minus strand). VCF-style: chr8-143916733-C-T. GRCh37 (hg19) VCF-style: chr8-144990901-C-T.
Other names: c.13169G>A, p.Arg4390His (NM_000445.5); c.9788G>A, p.Arg3263His (NM_001410941.1); c.13046G>A, p.Arg4349His (NM_201378.4); c.13022G>A, p.Arg4341His (NM_201379.3); c.13499G>A, p.Arg4500His (NM_201380.4); c.12992G>A, p.Arg4331His (NM_201381.3); c.13088G>A, p.Arg4363His (NM_201382.4); c.13100G>A, p.Arg4367His (NM_201383.3); short protein forms R4331H, R4349H, R4367H, R4390H, R4500H, R3263H, R4341H, R4363H.
Identifiers: ClinVar variation 2174585 (VCV002174585.4), dbSNP rs782168883, ClinGen allele CA4923907.

ClinVar aggregate classification (germline): Uncertain significance (1 of 4 stars; one submission).

Conditions:
Epidermolysis bullosa simplex 5B, with muscular dystrophy (EBS5B). Also called: EPIDERMOLYSIS BULLOSA SIMPLEX AND LIMB-GIRDLE MUSCULAR DYSTROPHY; Epidermolysis bullosa simplex with muscular dystrophy. Identifiers: Orphanet 257, MedGen C2931072, MONDO:0009181, OMIM 226670.
Autosomal recessive limb-girdle muscular dystrophy type 2Q (LGMDR17). Also called: MUSCULAR DYSTROPHY, LIMB-GIRDLE, AUTOSOMAL RECESSIVE 17. Identifiers: Orphanet 254361, MedGen C3150989, MONDO:0013390, OMIM 613723.
Epidermolysis bullosa simplex, Ogna type (EBS5A). Also called: Pidermolysis bullosa simplex 5A, Ogna type; EPIDERMOLYSIS BULLOSA SIMPLEX 5A, OGNA TYPE. Identifiers: Orphanet 79401, MedGen C0432317, MONDO:0007555, OMIM 131950.
Epidermolysis bullosa simplex 5C, with pyloric atresia (EBS5C). Also called: PLEC-Related Epidermolysis Bullosa with Pyloric Atresia; Epidermolysis bullosa simplex with pyloric atresia; PLEC1-Related Epidermolysis Bullosa with Pyloric Atresia. Identifiers: Orphanet 158684, MedGen C2677349, MONDO:0012807, OMIM 612138.
Epidermolysis bullosa simplex with nail dystrophy (EBS5D). Identifiers: MedGen C4225309, MONDO:0014661, OMIM 616487.

Allele frequency attached by ClinVar (database versions not stated): ExAC 0.00001.
gnomAD v4.1: 12 of 1,613,080 alleles (0.00074%); highest among the groups gnomAD compares: Admixed American, 0.0033%; no homozygotes.

Submission:

Labcorp Genetics (formerly Invitae), Labcorp
Classification: Uncertain significance for Autosomal recessive limb-girdle muscular dystrophy type 2Q; Epidermolysis bullosa simplex, Ogna type; Epidermolysis bullosa simplex with nail dystrophy; Epidermolysis bullosa simplex 5C, with pyloric atresia; Epidermolysis bullosa simplex 5B, with muscular dystrophy. Last evaluated: 2025-05-05. Review status: criteria provided, single submitter. Criteria: Invitae Variant Classification Sherloc (09022015). Collection method: clinical testing. Allele origin: germline.
Comment: This sequence change replaces arginine, which is basic and polar, with histidine, which is basic and polar, at codon 4390 of the PLEC protein (p.Arg4390His). This variant is present in population databases (rs782168883, gnomAD 0.003%). This variant has not been reported in the literature in individuals affected with PLEC-related conditions. ClinVar contains an entry for this variant (Variation ID: 2174585). Invitae Evidence Modeling of protein sequence and biophysical properties (such as structural, functional, and spatial information, amino acid conservation, physicochemical variation, residue mobility, and thermodynamic stability) indicates that this missense variant is not expected to disrupt PLEC protein function with a negative predictive value of 80%. In summary, the available evidence is currently insufficient to determine the role of this variant in disease. Therefore, it has been classified as a Variant of Uncertain Significance.